The following is an entry in ClinVar:

NM_017617.5(NOTCH1):c.4727T>A (p.Val1576Glu)

Gene: NOTCH1 (notch receptor 1; minus strand). Cytogenetic location: 9q34.3.
Variant type: single nucleotide variant.
Coding change: c.4727T>A on transcript NM_017617.5 (MANE Select); coding-DNA position 4727, T replaced by A.
Protein change: p.Val1576Glu; replaces valine 1576 with glutamic acid.
Molecular consequence: missense variant.
Genome position (GRCh38, 1-based): chr9:136,504,964, A>T on the plus strand (T>A on the coding strand, the complement: NOTCH1 is on the minus strand). VCF-style: chr9-136504964-A-T. GRCh37 (hg19) VCF-style: chr9-139399416-A-T.
Other names: short protein forms V1576E.
Identifiers: ClinVar variation 4530438 (VCV004530438.1).

ClinVar aggregate classification (somatic clinical impact): Tier I - Strong (1 of 4 stars; one submission).

Conditions:
T-cell acute lymphoblastic leukemia. Also called: Susceptibility to T-cell acute lymphoblastic leukemia; T-cell acute lymphocytic leukemia, somatic; T-cell acute lymphoblastic leukemias; Acute T cell leukemia. Identifiers: MedGen C1961099, MONDO:0004963, HP:0006727.

Submission:

Institute for Genomic Medicine (IGM) Clinical Laboratory, Nationwide Children's Hospital
Classification: Tier I - Strong for T-cell acute lymphoblastic leukemia. Assertion type: diagnostic. Clinical significance: supports diagnosis. Last evaluated: 2024-04-16. Review status: criteria provided, single submitter. Criteria: AMP/ASCO/CAP Guidelines, 2017. Collection method: clinical testing. Allele origin: somatic. Affected: yes.
Comment: Variant has Tier I (strong) clinical significance as a diagnostic inclusion criterion in T-cell acute lymphoblastic leukemia, based on the following evidence: 1) Documented in one or more cancer databases (e.g., St. Jude Pecan, COSMIC, CIViC, OncoKB). 2) Appears in one or more well-established professional guidelines (e.g., World Health Organization [WHO]; National Comprehensive Cancer Network [NCCN]) as providing diagnostic, prognostic, or therapeutic information. 3) Information in the literature supports potential biologic effect of variant (PMIDs: 16738328, 15472075, 17575125). 4) Diagnostic for a specific tumor type/classification according to professional guidelines (Evidence Level A; PMIDs: 24651013, 15472075, 17575125, 33054110, 28297628, 28671688, 17646409).

Literature cited by the submitters: PubMed 16738328; PubMed 15472075; PubMed 17575125; PubMed 24651013; PubMed 33054110; PubMed 28297628; PubMed 28671688; PubMed 17646409.